The following is an entry in ClinVar:

ClinVar aggregate classification (germline): Likely benign (1 of 4 stars; one submission).

gnomAD v4.1: 320 of 1,612,506 alleles (0.02%); highest among the groups gnomAD compares: South Asian, 0.33%; 8 homozygotes.

Submission:

CeGaT Center for Human Genetics Tuebingen
Classification: Likely benign. Last evaluated: 2024-11-01. Review status: criteria provided, single submitter. Criteria: CeGaT Center For Human Genetics Tuebingen Variant Classification Criteria Version 2. Collection method: clinical testing. Allele origin: germline. Affected: yes. Observed: 1 variant allele.
Comment: DLG5: BP4

NM_004747.4(DLG5):c.2795C>G (p.Ser932Cys)

Gene: DLG5 (discs large MAGUK scaffold protein 5; minus strand). Cytogenetic location: 10q22.3.
Variant type: single nucleotide variant.
Coding change: c.2795C>G on transcript NM_004747.4 (MANE Select); coding-DNA position 2795, C replaced by G.
Protein change: p.Ser932Cys; replaces serine 932 with cysteine.
Molecular consequence: missense variant.
Genome position (GRCh38, 1-based): chr10:77,821,689, G>C on the plus strand (C>G on the coding strand, the complement: DLG5 is on the minus strand). VCF-style: chr10-77821689-G-C. GRCh37 (hg19) VCF-style: chr10-79581447-G-C.
Other names: short protein forms S932C.
Identifiers: ClinVar variation 3388366 (VCV003388366.14).
Genomic context (GRCh38, chr10:77,821,689, plus strand): 5'-AGCATGGCCTTGGGCCAGGTCCCGCCGCTGTTGGAGCCTTCAGAGTCTGCCTTGTCCAGG[G>C]AGGCCTCCCCAACCCCACAGGGGCCCACCTCGGTCTCAAAGGGCAGCAGTGGCCGCCGGC-3'
Protein context (NP_004738.3, residues 922-942): EVGPCGVGEA[Ser932Cys]LDKADSEGSN